The following is an entry in ClinVar:

ClinVar aggregate classification (germline): Likely benign. Review status: criteria provided, multiple submitters, no conflicts (2 of 4 stars). 3 submissions from 3 submitters: Likely benign (3). Last evaluated 2026-09-01.

Conditions:
Congenital disorder of glycosylation, type Ii. Also called: ALG2-congenital disorder of glycosylation; CDG Ii; ALG2-CDG. Identifiers: Orphanet 79326, MedGen C1842836, MONDO:0011933, OMIM 607906.
Congenital myasthenic syndrome 14. Also called: Myasthenic syndrome, congenital, 14, with tubular aggregates. Identifiers: Orphanet 353327, Orphanet 590, MedGen C4015597, MONDO:0014543, OMIM 616228.

Allele frequency attached by ClinVar (database versions not stated): TOPMed 0.00012; 1000 Genomes Project 30x 0.00016; 1000 Genomes Project 0.00020; ExAC below 0.00001; gnomAD exomes 0.00042; gnomAD 0.00006.

Submissions (3):

CeGaT Center for Human Genetics Tuebingen
Classification: Likely benign. Last evaluated: 2026-09-01. Review status: criteria provided, single submitter. Criteria: CeGaT Center For Human Genetics Tuebingen Variant Classification Criteria Version 2. Collection method: clinical testing. Allele origin: germline. Affected: yes. Observed: 3 variant alleles.
Comment: ALG2: BP4, BP7

Labcorp Genetics (formerly Invitae), Labcorp
Classification: Likely benign for Congenital disorder of glycosylation, type Ii; Congenital myasthenic syndrome 14. Last evaluated: 2025-12-12. Review status: criteria provided, single submitter. Criteria: Invitae Variant Classification Sherloc (09022015). Collection method: clinical testing. Allele origin: germline.

Blueprint Genetics
Classification: Likely benign. Last evaluated: 2022-06-13. Review status: criteria provided, single submitter. Criteria: ACMG Guidelines, 2015. Collection method: clinical testing. Allele origin: germline.

NM_033087.4(ALG2):c.255C>G (p.Gly85=)

Gene: ALG2 (ALG2 alpha-1,3/1,6-mannosyltransferase; minus strand). Cytogenetic location: 9q22.33.
Variant type: single nucleotide variant.
Coding change: c.255C>G on transcript NM_033087.4 (MANE Select); coding-DNA position 255, C replaced by G.
Protein change: p.Gly85=; no amino-acid change (glycine 85 retained).
Molecular consequence: synonymous variant. On other transcripts: non-coding transcript variant (1).
Genome position (GRCh38, 1-based): chr9:99,221,640, G>C on the plus strand (C>G on the coding strand, the complement: ALG2 is on the minus strand). VCF-style: chr9-99221640-G-C. GRCh37 (hg19) VCF-style: chr9-101983922-G-C.
Identifiers: ClinVar variation 706900 (VCV000706900.14), dbSNP rs562977386, ClinGen allele CA5156429.